The following is an entry in ClinVar:

ClinVar aggregate classification (germline): Pathogenic. Review status: criteria provided, multiple submitters, no conflicts (2 of 4 stars). 3 submissions from 3 submitters: Pathogenic (3). Last evaluated 2024-06-10.

Conditions:
Hereditary cancer-predisposing syndrome. Also called: Tumor predisposition; Hereditary Cancer Syndrome; Hereditary neoplastic syndrome; Neoplastic Syndromes, Hereditary. Identifiers: Orphanet 140162, MedGen C0027672, MeSH D009386, MONDO:0015356.
Breast-ovarian cancer, familial, susceptibility to, 4. Identifiers: Orphanet 145, MedGen C3280345, MONDO:0013669, OMIM 614291.

Submissions (3):

Ambry Genetics
Classification: Pathogenic for Hereditary cancer-predisposing syndrome. Last evaluated: 2024-06-10. Review status: criteria provided, single submitter. Criteria: Ambry Variant Classification Scheme 2023. Collection method: clinical testing. Allele origin: germline.
Comment: The p.S62* pathogenic mutation (also known as c.185C>A), located in coding exon 3 of the RAD51D gene, results from a C to A substitution at nucleotide position 185. This changes the amino acid from a serine to a stop codon within coding exon 3. This variant is considered to be rare based on population cohorts in the Genome Aggregation Database (gnomAD). This alteration is expected to result in loss of function by premature protein truncation or nonsense-mediated mRNA decay. As such, this alteration is interpreted as a disease-causing mutation.

Myriad Genetics, Inc.
Classification: Pathogenic for Breast-ovarian cancer, familial, susceptibility to, 4. Last evaluated: 2024-01-04. Review status: criteria provided, single submitter. Criteria: Myriad Autosomal Dominant, Autosomal Recessive and X-Linked Classification Criteria (2023). Collection method: clinical testing. Allele origin: unknown.
Comment: This variant is considered pathogenic. This variant creates a termination codon and is predicted to result in premature protein truncation.

Labcorp Genetics (formerly Invitae), Labcorp
Classification: Pathogenic for Breast-ovarian cancer, familial, susceptibility to, 4. Last evaluated: 2016-04-21. Review status: criteria provided, single submitter. Criteria: Invitae Variant Classification Sherloc (09022015). Collection method: clinical testing. Allele origin: germline.
Comment: For these reasons, this variant has been classified as Pathogenic. While this particular variant has not been reported in the literature, truncating variants in RAD51D are known to be pathogenic (PMID: 21822267). This sequence change creates a premature translational stop signal at codon 62 (p.Ser62*) of the RAD51D gene. It is expected to result in an absent or disrupted protein product.

Literature cited by the submitters: PubMed 21822267 (cited by Labcorp Genetics (formerly Invitae), Labcorp).

NM_002878.4(RAD51D):c.185C>A (p.Ser62Ter)

Genes: RAD51L3-RFFL (RAD51L3-RFFL readthrough; minus strand), RAD51D (RAD51 paralog D; minus strand). Cytogenetic location: 17q12.
Variant type: single nucleotide variant.
Coding change: c.185C>A on transcript NM_002878.4 (MANE Select); coding-DNA position 185, C replaced by A.
Protein change: p.Ser62Ter; replaces serine 62 with a stop codon.
Molecular consequence: nonsense. On other transcripts: intron variant (2).
Genome position (GRCh38, 1-based): chr17:35,118,579, G>T on the plus strand (C>A on the coding strand, the complement: RAD51D is on the minus strand). VCF-style: chr17-35118579-G-T. GRCh37 (hg19) VCF-style: chr17-33445598-G-T.
Other names: c.144+532C>A (NM_133629.3, NM_001142571.2); short protein forms S62*.
Identifiers: ClinVar variation 410551 (VCV000410551.12), dbSNP rs374357106, ClinGen allele CA16615337.